The following is an entry in ClinVar:

NM_130466.4(UBE3B):c.1588A>G (p.Met530Val)

Gene: UBE3B (ubiquitin protein ligase E3B; plus strand). Cytogenetic location: 12q24.11.
Variant type: single nucleotide variant.
Coding change: c.1588A>G on transcript NM_130466.4 (MANE Select); coding-DNA position 1588, A replaced by G.
Protein change: p.Met530Val; replaces methionine 530 with valine.
Molecular consequence: missense variant.
Genome position (GRCh38, 1-based): chr12:109,507,701, A>G. VCF-style: chr12-109507701-A-G. GRCh37 (hg19) VCF-style: chr12-109945506-A-G.
Other names: c.1588A>G, p.Met530Val (NM_183415.3); short protein forms M530V.
Identifiers: ClinVar variation 1303589 (VCV001303589.2), dbSNP rs752097347, ClinGen allele CA6777928.

ClinVar aggregate classification (germline): Uncertain significance (1 of 4 stars; one submission).

Allele frequency attached by ClinVar (database versions not stated): gnomAD exomes below 0.00001; ExAC 0.00001.
gnomAD v4.1: 16 of 1,614,068 alleles (0.00099%); highest among the groups gnomAD compares: Middle Eastern, 0.23%; 1 homozygote.

Submission:

GeneDx
Classification: Uncertain significance. Last evaluated: 2019-02-13. Review status: criteria provided, single submitter. Criteria: GeneDx Variant Classification Process June 2021. Collection method: clinical testing. Allele origin: germline. Affected: yes.
Comment: Not observed at a significant frequency in large population cohorts (Lek et al., 2016; McVean et al., 2012; Exome Variant Server); Has not been previously published as pathogenic or benign to our knowledge